The following is an entry in ClinVar:

ClinVar aggregate classification (germline): Conflicting classifications of pathogenicity. Review status: criteria provided, conflicting classifications (1 of 4 stars). 3 submissions from 2 submitters: Uncertain significance (1); Benign (1); Likely benign (1). Last evaluated 2021-05-15.

Conditions:
Autosomal recessive nonsyndromic hearing loss 37. Identifiers: Orphanet 90636, MedGen C1843028, MONDO:0011912, OMIM 607821.
Autosomal dominant nonsyndromic hearing loss 22. Also called: Autosomal dominant nonsyndromic deafness 22; DFNA 22. Identifiers: Orphanet 228012, MedGen C2931767, MONDO:0011660, OMIM 606346.

Allele frequency attached by ClinVar (database versions not stated): 1000 Genomes Project 30x 0.00843; 1000 Genomes Project 0.00899; gnomAD exomes 0.01389; gnomAD 0.01810 and 0.01849; TOPMed 0.01871.
gnomAD v4.1: 2,780 of 152,992 alleles (1.8%); highest among the groups gnomAD compares: Middle Eastern, 6.4%; 46 homozygotes.

Submissions (3):

GeneDx
Classification: Likely benign. Last evaluated: 2021-05-15. Review status: criteria provided, single submitter. Criteria: GeneDx Variant Classification Process June 2021. Collection method: clinical testing. Allele origin: germline. Affected: yes.

Illumina Laboratory Services, Illumina
Classification: Uncertain significance for Autosomal recessive nonsyndromic hearing loss 37. Last evaluated: 2018-01-13. Review status: criteria provided, single submitter. Criteria: ICSL Variant Classification Criteria 13 December 2019. Collection method: clinical testing. Allele origin: germline.

Illumina Laboratory Services, Illumina
Classification: Benign for Autosomal dominant nonsyndromic hearing loss 22. Last evaluated: 2018-01-13. Review status: criteria provided, single submitter. Criteria: ICSL Variant Classification Criteria 13 December 2019. Collection method: clinical testing. Allele origin: germline.
Comment: This variant was observed in the ICSL laboratory as part of a predisposition screen in an ostensibly healthy population. It had not been previously curated by ICSL or reported in the Human Gene Mutation Database (HGMD: prior to June 1st, 2018), and was therefore a candidate for classification through an automated scoring system. Utilizing variant allele frequency, disease prevalence and penetrance estimates, and inheritance mode, an automated score was calculated to assess if this variant is too frequent to cause the disease. Based on the score and internal cut-off values, a variant classified as benign is not then subjected to further curation. The score for this variant resulted in a classification of benign for this disease.

NM_004999.4(MYO6):c.-49C>G

Gene: MYO6 (myosin VI; plus strand). Cytogenetic location: 6q14.1.
Variant type: single nucleotide variant.
Coding change: c.-49C>G on transcript NM_004999.4 (MANE Select); 49 bases upstream of the start codon, C replaced by G.
Molecular consequence: 5 prime UTR variant. On other transcripts: non-coding transcript variant (2).
Genome position (GRCh38, 1-based): chr6:75,749,422, C>G. VCF-style: chr6-75749422-C-G. GRCh37 (hg19) VCF-style: chr6-76459139-C-G.
Other names: c.-49C>G (NM_001300899.2, NM_001368136.1, NM_001368137.1 and 4 more transcripts); c.-167C>G (NM_001368139.1).
Identifiers: ClinVar variation 357987 (VCV000357987.6), dbSNP rs149130280, ClinGen allele CA10627562.
Genomic context (GRCh38, chr6:75,749,422, plus strand): 5'-CCCTCCAGCTTCACCCGTACAGGTAGCCCCGCCGCCGCGCACCTGCCTTCGCTCCCGCAC[C>G]GGTGAGTGTCCCAGAGACCCACTGCGGGGCGTCGGCGCCGGGGTCTCGCGTTCCCTGGCC-3'